The following is an entry in ClinVar:

ClinVar aggregate classification (germline): Conflicting classifications of pathogenicity. Review status: criteria provided, conflicting classifications (1 of 4 stars). 6 submissions from 6 submitters: Uncertain significance (3); Benign (1); Likely benign (1). 1 of the submissions does not count toward it. Last evaluated 2026-09-01.

Conditions:
Hematuria, benign familial, 1 (BFH1). Also called: THIN MEMBRANE NEPHROPATHY. Identifiers: MedGen CN376803, MONDO:0007709, OMIM 141200.
Autosomal recessive Alport syndrome (ATS2). Also called: COL4A3-Related Nephropathy; Alport syndrome type 2; COL4A4 Alport Syndrome and Thin Basement Membrane Nephropathy; ALPORT SYNDROME 2, AUTOSOMAL RECESSIVE. Identifiers: Orphanet 63, Orphanet 88919, MedGen C4746745, MONDO:0008762, OMIM 203780.
COL4A4-related disorder.
Alport syndrome. Also called: Hemorrhagic familial nephritis; Hemorrhagic hereditary nephritis; Congenital hereditary hematuria. Identifiers: Orphanet 63, MedGen C1567741, MONDO:0018965.

Allele frequency attached by ClinVar (database versions not stated): ExAC 0.00001; TOPMed 0.00005; gnomAD 0.00009; ESP Exome Variant Server 0.00017.
gnomAD v4.1: 37 of 1,612,588 alleles (0.0023%); highest among the groups gnomAD compares: Admixed American, 0.022%; no homozygotes.

Submissions (6):

GeneDx
Classification: Uncertain significance. Last evaluated: 2026-09-01. Review status: criteria provided, single submitter. Criteria: GeneDx Variant Classification Process June 2021. Collection method: clinical testing. Allele origin: germline.
Comment: In silico analysis suggests that this missense variant does not alter protein structure/function; Occurs in the triple helical domain at the X position in the canonical Gly-X-Y repeat; although this variant may have an effect on normal protein folding and function, missense substitution at the X position is not a common mechanism of disease; Has not been previously published as pathogenic or benign to our knowledge

PreventionGenetics, part of Exact Sciences
Classification: Uncertain significance for COL4A4-related condition. Last evaluated: 2026-05-11. Review status: criteria provided, single submitter. Criteria: ACMG Guidelines, 2015. Collection method: clinical testing. Allele origin: germline.
Comment: The COL4A4 c.3995C>T variant is predicted to result in the amino acid substitution p.Pro1332Leu. To our knowledge, this variant has not been reported in the literature. This variant is reported in 0.029% of alleles in individuals of African descent in gnomAD. At this time, the clinical significance of this variant is uncertain due to the absence of conclusive functional and genetic evidence.

Labcorp Genetics (formerly Invitae), Labcorp
Classification: Benign. Last evaluated: 2025-12-20. Review status: criteria provided, single submitter. Criteria: Invitae Variant Classification Sherloc (09022015). Collection method: clinical testing. Allele origin: germline.

Fulgent Genetics
Classification: Uncertain significance for Hematuria, benign familial, 1; Autosomal recessive Alport syndrome. Last evaluated: 2024-06-13. Review status: criteria provided, single submitter. Criteria: ACMG Guidelines, 2015. Collection method: clinical testing. Allele origin: germline.

Laboratory for Molecular Medicine, Mass General Brigham Personalized Medicine
Classification: Likely benign. Last evaluated: 2018-04-17. Review status: criteria provided, single submitter. Criteria: LMM Criteria. Collection method: clinical testing. Allele origin: germline. Observed: 1 variant allele.
Comment: p.Pro1332Leu in exon 42 of the COL4A4 gene: This variant is not expected to have clinical significance due to a lack of conservation across species, including m ammals. Proline (Pro) at position 1332 is not conserved in mammals or evolutiona rily distant species and >10 mammals/species carry a leucine (Leu), supporting t hat this change may be tolerated. Additional computational tools suggest that t he p.Pro1332Leu variant may not impact the protein. This variant has been identi fied in 7/23716 of African chromosomes by the Genome Aggregation Database (gnomA D; dbSNP rs200860702). ACMG/AMP Criteria appli ed: BP4_Strong.

Natera, Inc.
Classification: Uncertain significance for Alport syndrome. Last evaluated: 2020-03-17. Review status: no assertion criteria provided. Collection method: clinical testing. Allele origin: germline. Not counted in ClinVar's aggregate classification.

NM_000092.5(COL4A4):c.3995C>T (p.Pro1332Leu)

Gene: COL4A4 (collagen type IV alpha 4 chain; minus strand). Cytogenetic location: 2q36.3.
Variant type: single nucleotide variant.
Coding change: c.3995C>T on transcript NM_000092.5 (MANE Select); coding-DNA position 3995, C replaced by T.
Protein change: p.Pro1332Leu; replaces proline 1332 with leucine.
Molecular consequence: missense variant.
Genome position (GRCh38, 1-based): chr2:227,027,988, G>A on the plus strand (C>T on the coding strand, the complement: COL4A4 is on the minus strand). VCF-style: chr2-227027988-G-A. GRCh37 (hg19) VCF-style: chr2-227892704-G-A.
Other names: short protein forms P1332L.
Identifiers: ClinVar variation 666681 (VCV000666681.16), dbSNP rs200860702, ClinGen allele CA2144353.